The following is an entry in ClinVar:

NM_052845.4(MMAB):c.287T>C (p.Ile96Thr)

Gene: MMAB (metabolism of cobalamin associated B; minus strand). Cytogenetic location: 12q24.11.
Variant type: single nucleotide variant.
Coding change: c.287T>C on transcript NM_052845.4 (MANE Select); coding-DNA position 287, T replaced by C.
Protein change: p.Ile96Thr; replaces isoleucine 96 with threonine.
Molecular consequence: missense variant. On other transcripts: non-coding transcript variant (1).
Genome position (GRCh38, 1-based): chr12:109,568,773, A>G on the plus strand (T>C on the coding strand, the complement: MMAB is on the minus strand). VCF-style: chr12-109568773-A-G. GRCh37 (hg19) VCF-style: chr12-110006578-A-G.
Other names: short protein forms I96T.
Identifiers: ClinVar variation 218323 (VCV000218323.5), dbSNP rs864309509, ClinGen allele CA347809.

ClinVar aggregate classification (germline): Likely pathogenic. Review status: criteria provided, single submitter (1 of 4 stars). 3 submissions from 3 submitters: Likely pathogenic (1). 2 of the submissions do not count toward it. Last evaluated 2025-04-14.

Conditions:
Methylmalonic aciduria, cblB type (MACB). Also called: Methylmalonic acidemia cblB type; METHYLMALONIC ACIDURIA, VITAMIN B12-RESPONSIVE, DUE TO DEFECT IN SYNTHESIS OF ADENOSYLCOBALAMIN, cblB TYPE; Vitamin B12-responsive methylmalonic acidemia type cblB. Identifiers: Orphanet 28, Orphanet 79311, MedGen C1855102, MONDO:0009614, OMIM 251110.

Submissions (3):

Natera, Inc.
Classification: Likely pathogenic for Methylmalonic aciduria cblB type. Last evaluated: 2025-04-14. Review status: criteria provided, single submitter. Criteria: Natera Variant Classification Schema (03/2026). Collection method: clinical testing. Allele origin: germline.
Comment: The c.287T>C variant in MMAB is a missense variant predicted to cause substitution of isoleucine to threonine at amino acid 96. This variant is rare in the general population with a frequency below the threshold expected for the associated phenotype(s). This variant has been observed in one or more individuals affected with the associated recessive disease, as either homozygous or compound heterozygous with a second variant (PMID: 20556797). Functional studies show that this variant may disrupt protein function (PMID: 20556797, 24813872, 20696242, 17948227). Computational prediction algorithms indicate this variant is likely to affect gene or protein function. Given the available evidence, this variant is classified as Likely Pathogenic.

OMIM
Classification: Pathogenic for METHYLMALONIC ACIDURIA, cblB TYPE. Last evaluated: 2015-06-01. Review status: no assertion criteria provided. Collection method: literature only. Allele origin: germline. Not counted in ClinVar's aggregate classification.

GeneReviews
No classification provided. Condition: Methylmalonic aciduria, cblB type. Review status: no classification provided. Collection method: literature only. Allele origin: germline. Affected: yes. Not counted in ClinVar's aggregate classification.

Literature cited by the submitters: PubMed 20556797 (cited by Natera, Inc. and OMIM); PubMed 24813872 (cited by Natera, Inc. and OMIM); PubMed 20696242 (cited by Natera, Inc.); PubMed 17948227 (cited by Natera, Inc.); NCBI Bookshelf NBK1231 (cited by GeneReviews).